The following is an entry in ClinVar:

ClinVar aggregate classification (germline): Pathogenic/Likely pathogenic. Review status: criteria provided, multiple submitters, no conflicts (2 of 4 stars). 5 submissions from 5 submitters: Pathogenic (2); Likely pathogenic (3). Last evaluated 2025-03-12.

Conditions:
FLG-related disorder. Also called: FLG-related condition; FLG-related disorders.
Ichthyosis vulgaris. Also called: Dominant ichthyosis vulgaris; ICHTHYOSIS SIMPLEX. Identifiers: MedGen C0079584, MONDO:0024304, OMIM 146700.
Dermatitis, atopic, 2. Identifiers: MedGen C1853965, MONDO:0011596, OMIM 605803.

Allele frequency attached by ClinVar (database versions not stated): gnomAD 0.00003 and 0.00004; gnomAD exomes 0.00003; ExAC 0.00004; TOPMed 0.00005.
gnomAD v4.1: 48 of 1,613,702 alleles (0.003%); highest among the groups gnomAD compares: South Asian, 0.012%; no homozygotes.

Submissions (5):

GeneDx
Classification: Pathogenic. Last evaluated: 2025-03-12. Review status: criteria provided, single submitter. Criteria: GeneDx Variant Classification Process June 2021. Collection method: clinical testing. Allele origin: germline. Affected: yes.
Comment: Nonsense variant predicted to result in protein truncation, as the last 3322 amino acids are lost, and other loss-of-function variants have been reported downstream in HGMD; This variant is associated with the following publications: (PMID: 31589614, 38564302, 38721572, 37200867)

Blueprint Genetics
Classification: Likely pathogenic for FLG-related disorders. Last evaluated: 2024-10-02. Review status: criteria provided, single submitter. Criteria: ACMG Guidelines, 2015. Collection method: clinical testing. Allele origin: germline. Affected: yes. Observed: 5 variant alleles.

Genome-Nilou Lab
Classification: Likely pathogenic for Ichthyosis vulgaris. Last evaluated: 2023-04-11. Review status: criteria provided, single submitter. Criteria: ACMG Guidelines, 2015. Collection method: clinical testing. Allele origin: germline. Affected: no.

Fulgent Genetics
Classification: Likely pathogenic for Ichthyosis vulgaris; Dermatitis, atopic, 2. Last evaluated: 2021-08-07. Review status: criteria provided, single submitter. Criteria: ACMG Guidelines, 2015. Collection method: clinical testing. Allele origin: unknown.

Lifecell International Pvt. Ltd
Classification: Pathogenic for Ichthyosis vulgaris. Review status: criteria provided, single submitter. Criteria: ACMG Guidelines, 2015. Collection method: clinical testing. Allele origin: germline. Inheritance: Autosomal dominant inheritance. Affected: yes. Observed: 1 compound heterozygote.
Comment: A Heterozygous Nonsense variant c.2218C>T in Exon 3 of the FLG gene that results in the amino acid substitution p.Arg740* was identified. The observed variant has a maximum allele frequency of 0.00003% in gnomAD exomes and genomes, respectively. The severity of the impact of this variant on the protein is high, based on the effect of the protein and REVEL score. Rare Exome Variant Ensemble Learner (REVEL) is an ensembl method for predicting the pathogenicity of missense variants based on a combination of scores from 13 individual tools: MutPred, FATHMM v2.3, VEST 3.0, PolyPhen-2, SIFT, PROVEAN, MutationAssessor, MutationTaster, LRT, GERP++, SiPhy, phyloP, and phastCons. The REVEL score for an individual missense variant can range from 0 to 1, with higher scores reflecting greater likelihood that the variant is disease-causing. The variant has been reported to ClinVar as Pathogenic/Likely pathogenic with a status of (2 stars) criteria provided, multiple submitters, no conflicts (Variation ID 280718 as of 2022-12-31). The nonsense variant in the C-terminus is predicted to result in protein truncation, as the last 3322 amino acids are lost, and other loss-of-function variants have been reported downstream in the Human Gene Mutation Database (Stenson et al., 2014; Thyssen, J P et al., 2013) Based on the above evidence this variant has been classified as Pathogenic according to the ACMG guidelines.

Literature cited by the submitters: PubMed 24077912 (cited by Lifecell International Pvt. Ltd); PubMed 23301728 (cited by Lifecell International Pvt. Ltd).

NM_002016.2(FLG):c.2218C>T (p.Arg740Ter)

Genes: CCDST (cervical cancer associated DHX9 suppressive transcript; plus strand), FLG (filaggrin; minus strand). Cytogenetic location: 1q21.3.
Variant type: single nucleotide variant.
Coding change: c.2218C>T on transcript NM_002016.2 (MANE Select); coding-DNA position 2218, C replaced by T.
Protein change: p.Arg740Ter; replaces arginine 740 with a stop codon.
Molecular consequence: nonsense.
Genome position (GRCh38, 1-based): chr1:152,312,668, G>A on the plus strand (C>T on the coding strand, the complement: FLG is on the minus strand). VCF-style: chr1-152312668-G-A. GRCh37 (hg19) VCF-style: chr1-152285144-G-A.
Other names: short protein forms R740*.
Identifiers: ClinVar variation 280718 (VCV000280718.9), dbSNP rs777181377, ClinGen allele CA1107278.